The following is an entry in ClinVar:

NM_001039141.3(TRIOBP):c.4699C>T (p.Arg1567Trp)

Gene: TRIOBP (TRIO and F-actin binding protein; plus strand). Cytogenetic location: 22q13.1.
Variant type: single nucleotide variant.
Coding change: c.4699C>T on transcript NM_001039141.3 (MANE Select); coding-DNA position 4699, C replaced by T.
Protein change: p.Arg1567Trp; replaces arginine 1567 with tryptophan.
Molecular consequence: missense variant.
Genome position (GRCh38, 1-based): chr22:37,735,035, C>T. VCF-style: chr22-37735035-C-T. GRCh37 (hg19) VCF-style: chr22-38131042-C-T.
Other names: short protein forms R1567W.
Identifiers: ClinVar variation 3625965 (VCV003625965.2).

ClinVar aggregate classification (germline): Uncertain significance (1 of 4 stars; one submission).

Submission:

Labcorp Genetics (formerly Invitae), Labcorp
Classification: Uncertain significance. Last evaluated: 2024-06-01. Review status: criteria provided, single submitter. Criteria: Invitae Variant Classification Sherloc (09022015). Collection method: clinical testing. Allele origin: germline.
Comment: This sequence change replaces arginine, which is basic and polar, with tryptophan, which is neutral and slightly polar, at codon 1567 of the TRIOBP protein (p.Arg1567Trp). This variant is present in population databases (rs373187917, gnomAD 0.05%). This variant has not been reported in the literature in individuals affected with TRIOBP-related conditions. An algorithm developed to predict the effect of missense changes on protein structure and function (PolyPhen-2) suggests that this variant is likely to be disruptive. In summary, the available evidence is currently insufficient to determine the role of this variant in disease. Therefore, it has been classified as a Variant of Uncertain Significance.